The following is an entry in ClinVar:

ClinVar aggregate classification (germline): Likely pathogenic (1 of 4 stars; one submission).

Conditions:
SEMA6A-Related Disorder.

Submission:

Daryl Scott Lab, Baylor College of Medicine
Classification: Likely pathogenic for SEMA6A-Related Disorder. Last evaluated: 2025-08-25. Review status: criteria provided, single submitter. Criteria: ACMG Guidelines, 2015. Collection method: clinical testing. Allele origin: de novo. Affected: yes. Observed: 1 heterozygote.
Comment: PVS1, PS2, PM2

NM_020796.5(SEMA6A):c.231T>G (p.Tyr77Ter)

Gene: SEMA6A (semaphorin 6A; minus strand). Cytogenetic location: 5q23.1.
Variant type: single nucleotide variant.
Coding change: c.231T>G on transcript NM_020796.5 (MANE Select); coding-DNA position 231, T replaced by G.
Protein change: p.Tyr77Ter; replaces tyrosine 77 with a stop codon.
Molecular consequence: nonsense.
Genome position (GRCh38, 1-based): chr5:116,497,375, A>C on the plus strand (T>G on the coding strand, the complement: SEMA6A is on the minus strand). VCF-style: chr5-116497375-A-C. GRCh37 (hg19) VCF-style: chr5-115833071-A-C.
Other names: c.231T>G, p.Tyr77Ter (NM_001300780.2); short protein forms Y77*.
Identifiers: ClinVar variation 4851620 (VCV004851620.1).